The following is an entry in ClinVar:

ClinVar aggregate classification (germline): Uncertain significance (1 of 4 stars; one submission).

Conditions:
Familial hypercholesterolemia. Also called: Familial hypercholesterolaemia. Identifiers: MedGen C0020445, MONDO:0005439.

Submission:

Color Diagnostics, LLC DBA Color Health
Classification: Uncertain significance for Familial hypercholesterolemia. Last evaluated: 2024-02-05. Review status: criteria provided, single submitter. Criteria: ACMG Guidelines, 2015. Collection method: clinical testing. Allele origin: germline.
Comment: This missense variant replaces methionine with lysine at codon 126 of the PCSK9 protein. Computational prediction tools indicate that this variant has a deleterious impact on protein structure and function. To our knowledge, functional studies have not been reported for this variant. This variant has not been reported in individuals affected with PCSK9-related disorders in the literature. This variant has been identified in 1/251414 chromosomes in the general population by the Genome Aggregation Database (gnomAD). The available evidence is insufficient to determine the role of this variant in disease conclusively. Therefore, this variant is classified as a Variant of Uncertain Significance.

NM_174936.4(PCSK9):c.377T>A (p.Met126Lys)

Gene: PCSK9 (proprotein convertase subtilisin/kexin type 9; plus strand). Cytogenetic location: 1p32.3.
Variant type: single nucleotide variant.
Coding change: c.377T>A on transcript NM_174936.4 (MANE Select); coding-DNA position 377, T replaced by A.
Protein change: p.Met126Lys; replaces methionine 126 with lysine.
Molecular consequence: missense variant. On other transcripts: initiator codon variant (1), non-coding transcript variant (6), intron variant (1).
Genome position (GRCh38, 1-based): chr1:55,044,012, T>A. VCF-style: chr1-55044012-T-A. GRCh37 (hg19) VCF-style: chr1-55509685-T-A.
Other names: c.377T>A, p.Met126Lys (NM_001407244.1, NM_001407247.1, NM_001407241.1 and 2 more transcripts); c.2T>A, p.Met1Lys (NM_001407246.1); c.208-2511T>A (NM_001407245.1); c.500T>A, p.Met167Lys (NM_001407240.1); short protein forms M126K, M167K, M1K.
Identifiers: ClinVar variation 3894439 (VCV003894439.1).